The following is an entry in ClinVar:

NM_006017.3(PROM1):c.2038A>C (p.Ile680Leu)

Gene: PROM1 (prominin 1; minus strand). Cytogenetic location: 4p15.32.
Variant type: single nucleotide variant.
Coding change: c.2038A>C on transcript NM_006017.3 (MANE Select); coding-DNA position 2038, A replaced by C.
Protein change: p.Ile680Leu; replaces isoleucine 680 with leucine.
Molecular consequence: missense variant.
Genome position (GRCh38, 1-based): chr4:15,989,770, T>G on the plus strand (A>C on the coding strand, the complement: PROM1 is on the minus strand). VCF-style: chr4-15989770-T-G. GRCh37 (hg19) VCF-style: chr4-15991393-T-G.
Other names: c.2011A>C, p.Ile671Leu (NM_001145847.2, NM_001145848.2, NM_001145851.2 and 4 more transcripts); c.2038A>C, p.Ile680Leu (NM_001145849.2, NM_001145850.2); short protein forms I671L, I680L.
Identifiers: ClinVar variation 3726513 (VCV003726513.2).
Genomic context (GRCh38, chr4:15,989,770, plus strand): 5'-ACAATACGTCGTTGACTGTTACCAGTGATTGTTCTATAGGAAGGACTCGTTGCTGGTGAA[T>G]TGTTTTAATAGTTTGTGCATCTCTTTTCAGGGAGTTCCTCAAATTTCCTGGGGGCTACAA-3'
Protein context (NP_006008.1, residues 670-690): LKRDAQTIKT[Ile680Leu]HQQRVLPIEQ

ClinVar aggregate classification (germline): Uncertain significance (1 of 4 stars; one submission).

Submission:

Labcorp Genetics (formerly Invitae), Labcorp
Classification: Uncertain significance. Last evaluated: 2025-01-31. Review status: criteria provided, single submitter. Criteria: Invitae Variant Classification Sherloc (09022015). Collection method: clinical testing. Allele origin: germline.
Comment: This sequence change replaces isoleucine, which is neutral and non-polar, with leucine, which is neutral and non-polar, at codon 680 of the PROM1 protein (p.Ile680Leu). This variant is not present in population databases (gnomAD no frequency). This variant has not been reported in the literature in individuals affected with PROM1-related conditions. An algorithm developed to predict the effect of missense changes on protein structure and function outputs the following: PolyPhen-2: "Possibly Damaging". The leucine amino acid residue is found in multiple mammalian species, which suggests that this missense change does not adversely affect protein function. In summary, the available evidence is currently insufficient to determine the role of this variant in disease. Therefore, it has been classified as a Variant of Uncertain Significance.